The following is an entry in ClinVar:

ClinVar aggregate classification (germline): Uncertain significance (1 of 4 stars; one submission).

Conditions:
Familial thoracic aortic aneurysm and aortic dissection (TAAD). Also called: Thoracic aortic aneurysms and dissections. Identifiers: Orphanet 91387, MedGen C4707243, MONDO:0019625.

Submission:

Ambry Genetics
Classification: Uncertain significance for Familial thoracic aortic aneurysm and aortic dissection. Last evaluated: 2024-04-19. Review status: criteria provided, single submitter. Criteria: Ambry Variant Classification Scheme 2023. Collection method: clinical testing. Allele origin: germline.
Comment: The p.S1870N variant (also known as c.5609G>A), located in coding exon 31 of the MYLK gene, results from a G to A substitution at nucleotide position 5609. The serine at codon 1870 is replaced by asparagine, an amino acid with highly similar properties. This amino acid position is conserved. In addition, this alteration is predicted to be tolerated by in silico analysis. Based on the available evidence, the clinical significance of this variant remains unclear.

NM_053025.4(MYLK):c.5609G>A (p.Ser1870Asn)

Genes: MYLK (myosin light chain kinase; minus strand), MYLK-AS1 (MYLK antisense RNA 1; plus strand). Cytogenetic location: 3q21.1.
Variant type: single nucleotide variant.
Coding change: c.5609G>A on transcript NM_053025.4 (MANE Select); coding-DNA position 5609, G replaced by A.
Protein change: p.Ser1870Asn; replaces serine 1870 with asparagine.
Molecular consequence: missense variant.
Genome position (GRCh38, 1-based): chr3:123,614,241, C>T on the plus strand (G>A on the coding strand, the complement: MYLK is on the minus strand). VCF-style: chr3-123614241-C-T. GRCh37 (hg19) VCF-style: chr3-123333088-C-T.
Other names: c.5081G>A, p.Ser1694Asn (NM_001321309.2); c.5402G>A, p.Ser1801Asn (NM_053026.4); c.5456G>A, p.Ser1819Asn (NM_053027.4); c.5249G>A, p.Ser1750Asn (NM_053028.4); c.326G>A, p.Ser109Asn (NM_053031.4); c.329G>A, p.Ser110Asn (NM_053032.4); short protein forms S110N, S1801N, S1694N, S1819N, S1870N, S109N, S1750N.
Identifiers: ClinVar variation 3297600 (VCV003297600.1).